The following is an entry in ClinVar:

NM_001190274.2(FBXO11):c.588-2A>G

Gene: FBXO11 (F-box protein 11; minus strand). Cytogenetic location: 2p16.3.
Variant type: single nucleotide variant.
Coding change: c.588-2A>G on transcript NM_001190274.2 (MANE Select); the canonical splice acceptor site of the intron before coding-DNA position 588, A replaced by G.
Molecular consequence: splice acceptor variant.
Genome position (GRCh38, 1-based): chr2:47,836,003, T>C on the plus strand (A>G on the coding strand, the complement: FBXO11 is on the minus strand). VCF-style: chr2-47836003-T-C. GRCh37 (hg19) VCF-style: chr2-48063142-T-C.
Other names: c.336-2A>G (NM_001374325.1, NM_025133.4); c.588-2A>G (NM_001190274.1).
Identifiers: ClinVar variation 1329865 (VCV001329865.2), dbSNP rs2104833077, ClinGen allele CA346812450.
Genomic context (GRCh38, chr2:47,836,003, plus strand): 5'-CAGGTTCAGGATGCATCATAGGGCGAGTATATTCAAATACTTCCATATATAATCGTTTCC[T>C]GAACAGAGAAAGGAATTAAAATTTTCTTGATAAAATGTCCTTTAGATTAATACAGTTTTG-3'

ClinVar aggregate classification (germline): Pathogenic. Review status: criteria provided, multiple submitters, no conflicts (2 of 4 stars). 2 submissions from 2 submitters: Pathogenic (2). Last evaluated 2021-12-21.

Conditions:
Intellectual developmental disorder with dysmorphic facies and behavioral abnormalities. Identifiers: MedGen C4748135, MONDO:0060760, OMIM 618089.

Submissions (2):

Institute of Human Genetics, University of Leipzig Medical Center
Classification: Pathogenic for Intellectual developmental disorder with dysmorphic facies and behavioral abnormalities. Last evaluated: 2021-12-21. Review status: criteria provided, single submitter. Criteria: ACMG Guidelines, 2015. Collection method: research. Allele origin: de novo. Affected: yes.

Victorian Clinical Genetics Services, Murdoch Childrens Research Institute
Classification: Pathogenic for Intellectual developmental disorder with dysmorphic facies and behavioral abnormalities. Last evaluated: 2020-10-19. Review status: criteria provided, single submitter. Criteria: ACMG Guidelines, 2015. Collection method: clinical testing. Allele origin: germline. Inheritance: Autosomal dominant inheritance.
Comment: Based on the classification scheme VCGS_Germline_v1.3.3, this variant is classified as Pathogenic. Following criteria are met: 0102 - Loss of function is a known mechanism of disease in this gene and is associated with intellectual developmental disorder with dysmorphic facies and behavioral abnormalities (MIM#618089) AD. (I) 0107 - This gene is associated with autosomal dominant disease. (I) 0211 - Canonical splice site variant without proven consequence on splicing (no functional evidence available). (SP) 0251 - This variant is heterozygous. (I) 0301 - Variant is absent from gnomAD (both v2 and v3). (SP) 0505 - Abnormal splicing is predicted by in silico tools and affected nucleotide is highly conserved. (SP) 0705 - No comparable splice site variants have previous evidence for pathogenicity. (I) 0807 - This variant has no previous evidence of pathogenicity. (I) 0905 - No published segregation evidence has been identified for this variant. (I) 1007 - No published functional evidence has been identified for this variant. (I) 1102 - Strong phenotype match for this individual. (SP) Legend: (SP) - Supporting pathogenic, (I) - Information, (SB) - Supporting benign

Literature cited by the submitters: PubMed 34505148 (cited by Institute of Human Genetics, University of Leipzig Medical Center).